The following is an entry in ClinVar:

NM_152713.5(STT3A):c.1264G>A (p.Val422Ile)

Gene: STT3A (STT3 oligosaccharyltransferase complex catalytic subunit A; plus strand). Cytogenetic location: 11q24.2.
Variant type: single nucleotide variant.
Coding change: c.1264G>A on transcript NM_152713.5 (MANE Select); coding-DNA position 1264, G replaced by A.
Protein change: p.Val422Ile; replaces valine 422 with isoleucine.
Molecular consequence: missense variant.
Genome position (GRCh38, 1-based): chr11:125,612,646, G>A. VCF-style: chr11-125612646-G-A. GRCh37 (hg19) VCF-style: chr11-125482541-G-A.
Other names: c.1264G>A, p.Val422Ile (NM_001278503.2); c.988G>A, p.Val330Ile (NM_001278504.2); short protein forms V330I, V422I.
Identifiers: ClinVar variation 4882702 (VCV004882702.2).

ClinVar aggregate classification (germline): Uncertain significance (1 of 4 stars; one submission).

Submission:

Dasa
Classification: Uncertain significance. Last evaluated: 2024-11-04. Review status: criteria provided, single submitter. Criteria: DASA Assertion Criteria. Collection method: clinical testing. Allele origin: germline.
Comment: NM_152713.5(STT3A):c.1264G>A (p.Val422Ile) is a missense variant that results in the substitution of valine with isoleucine. This variant is absent from population databases. The currently available literature and clinical evidence are not sufficient to establish a definitive association between this variant and the reported condition. Therefore, this variant is classified as a variant of uncertain significance.